The following is an entry in ClinVar:

NM_000053.4(ATP7B):c.2415T>A (p.Val805=)

Gene: ATP7B (ATPase copper transporting beta; minus strand). Cytogenetic location: 13q14.3.
Variant type: single nucleotide variant.
Coding change: c.2415T>A on transcript NM_000053.4 (MANE Select); coding-DNA position 2415, T replaced by A.
Protein change: p.Val805=; no amino-acid change (valine 805 retained).
Molecular consequence: synonymous variant.
Genome position (GRCh38, 1-based): chr13:51,957,548, A>T on the plus strand (T>A on the coding strand, the complement: ATP7B is on the minus strand). VCF-style: chr13-51957548-A-T. GRCh37 (hg19) VCF-style: chr13-52531684-A-T.
Other names: c.1929T>A, p.Val643= (NM_001005918.3); c.2082T>A, p.Val694= (NM_001243182.2); c.2181T>A, p.Val727= (NM_001330578.2); c.2163T>A, p.Val721= (NM_001330579.2).
Identifiers: ClinVar variation 1643356 (VCV001643356.9), dbSNP rs768218512, ClinGen allele CA6989032.

ClinVar aggregate classification (germline): Likely benign. Review status: criteria provided, multiple submitters, no conflicts (2 of 4 stars). 2 submissions from 2 submitters: Likely benign (2). Last evaluated 2023-08-15.

Conditions:
Wilson disease (WND). Also called: Wilson's disease. Identifiers: Orphanet 905, MedGen C0019202, MONDO:0010200, OMIM 277900. Disease mechanism: loss of function.

gnomAD v4.1: 4 of 1,614,188 alleles (0.00025%); highest among the groups gnomAD compares: East Asian, 0.0089%; no homozygotes.

Submissions (2):

All of Us Research Program, National Institutes of Health
Classification: Likely benign for Wilson disease. Last evaluated: 2023-08-15. Review status: criteria provided, single submitter. Criteria: ACMG Guidelines, 2015. Collection method: clinical testing. Allele origin: germline. Inheritance: Autosomal recessive inheritance. Observed: 1 variant allele, 1 heterozygote.
Comment: This study involves interpretation of variants in research participants for the purpose of population health screening. Participant phenotype was not available at the time of variant classification. Additional details can be found in publication PMID: 35346344, PMCID: PMC8962531

Labcorp Genetics (formerly Invitae), Labcorp
Classification: Likely benign for Wilson disease. Last evaluated: 2023-04-20. Review status: criteria provided, single submitter. Criteria: Invitae Variant Classification Sherloc (09022015). Collection method: clinical testing. Allele origin: germline.